The following is an entry in ClinVar:

NM_024675.4(PALB2):c.1054G>C (p.Glu352Gln)

Gene: PALB2 (partner and localizer of BRCA2; minus strand). Cytogenetic location: 16p12.2.
Variant type: single nucleotide variant.
Coding change: c.1054G>C on transcript NM_024675.4 (MANE Select); coding-DNA position 1054, G replaced by C.
Protein change: p.Glu352Gln; replaces glutamic acid 352 with glutamine.
Molecular consequence: missense variant.
Genome position (GRCh38, 1-based): chr16:23,635,492, C>G on the plus strand (G>C on the coding strand, the complement: PALB2 is on the minus strand). VCF-style: chr16-23635492-C-G. GRCh37 (hg19) VCF-style: chr16-23646813-C-G.
Other names: short protein forms E352Q.
Identifiers: ClinVar variation 132751 (VCV000132751.29), dbSNP rs201035780, ClinGen allele CA167241.

ClinVar aggregate classification (germline): Conflicting classifications of pathogenicity. Review status: criteria provided, conflicting classifications (1 of 4 stars). 11 submissions from 11 submitters: Uncertain significance (4); Likely benign (4). 3 of the submissions do not count toward it. Last evaluated 2026-01-19.

Conditions:
PALB2-related disorder. Also called: PALB2-related disorders; PALB2-related condition.
Hereditary cancer-predisposing syndrome. Also called: Neoplastic Syndromes, Hereditary; Tumor predisposition; Hereditary Cancer Syndrome; Hereditary neoplastic syndrome. Identifiers: Orphanet 140162, MedGen C0027672, MeSH D009386, MONDO:0015356.
Familial cancer of breast. Also called: hereditary breast carcinoma; Hereditary breast cancer; BREAST CANCER, FAMILIAL. Identifiers: Orphanet 227535, MedGen C0346153, MONDO:0016419, OMIM 114480. Disease mechanism: loss of function.
Pancreatic cancer, susceptibility to, 3. Identifiers: Orphanet 1333, MedGen C3150547, MONDO:0013236, OMIM 613348.

Allele frequency attached by ClinVar (database versions not stated): gnomAD exomes 0.00001 and 0.00006; gnomAD 0.00002 and 0.00004; TOPMed 0.00005; ExAC 0.00008; 1000 Genomes Project 0.00060; 1000 Genomes Project 30x 0.00062.
gnomAD v4.1: 27 of 1,614,062 alleles (0.0017%); highest among the groups gnomAD compares: East Asian, 0.051%; no homozygotes.

Submissions (11):

Labcorp Genetics (formerly Invitae), Labcorp
Classification: Likely benign for Familial cancer of breast. Last evaluated: 2026-01-19. Review status: criteria provided, single submitter. Criteria: Invitae Variant Classification Sherloc (09022015). Collection method: clinical testing. Allele origin: germline.

PreventionGenetics, part of Exact Sciences
Classification: Likely benign for PALB2-related condition. Last evaluated: 2025-12-19. Review status: criteria provided, single submitter. Criteria: ACMG Guidelines, 2015. Collection method: clinical testing. Allele origin: germline.
Comment: This variant is classified as likely benign based on ACMG/AMP sequence variant interpretation guidelines (Richards et al. 2015 PMID: 25741868, with internal and published modifications).

Quest Diagnostics Nichols Institute San Juan Capistrano
Classification: Uncertain significance. Last evaluated: 2025-04-15. Review status: criteria provided, single submitter. Criteria: Quest Diagnostics criteria. Collection method: clinical testing. Allele origin: unknown.
Comment: The PALB2 c.1054G>C (p.Glu352Gln) variant has been reported in the published literature in individuals with colorectal cancer (PMID: 33309985 (2020)), breast cancer (PMID: 23977390 (2013), 25186627 (2015), 28580595 (2018), 28825143 (2017), 30093976 (2018), 33471991 (2021), see also LOVD), renal cancer (PMID: 32048105 (2020)), and in reportedly unaffected individuals (PMID: 36243179 (2022), 33309985 (2020), 30287823 (2018), 33471991 (2021), see also LOVD).The frequency of this variant in the general population (Genome Aggregation Database) is higher than would generally be expected for pathogenic variants in this gene. Analysis of this variant using bioinformatics tools for the prediction of the effect of amino acid changes on protein structure and function yielded conflicting predictions that this variant is benign or damaging. Based on the available information, we are unable to determine the clinical significance of this variant.

Myriad Genetics, Inc.
Classification: Uncertain significance for Familial cancer of breast. Last evaluated: 2023-03-31. Review status: criteria provided, single submitter. Criteria: Myriad Autosomal Dominant, Autosomal Recessive and X-Linked Classification Criteria (2023). Collection method: clinical testing. Allele origin: unknown.
Comment: This variant is classified as a variant of uncertain significance as there is insufficient evidence to determine its impact on protein function and/or cancer risk.

GeneDx
Classification: Uncertain significance. Last evaluated: 2022-03-21. Review status: criteria provided, single submitter. Criteria: GeneDx Variant Classification Process June 2021. Collection method: clinical testing. Allele origin: germline. Affected: yes.
Comment: Published functional studies demonstrate no damaging effect: nuclear localization and RAD51 foci formation comparable to wild-type (Toh 2020); Observed in individuals with breast cancer or renal cancer (Phuah et al., 2013; Tung et al., 2015; Zhang et al., 2017; Chan et al., 2018; Xie et al., 2018; Toh et al., 2020); In silico analysis supports that this missense variant does not alter protein structure/function; This variant is associated with the following publications: (PMID: 28825143, 25186627, 23977390, 32048105, 28580595, 30093976, 30374176)

Sema4
Classification: Uncertain significance for Hereditary cancer-predisposing syndrome. Last evaluated: 2021-11-23. Review status: criteria provided, single submitter. Criteria: Sema4 Curation Guidelines. Collection method: curation. Allele origin: germline.
Comment: The PALB2 c.1054G>C (p.E352Q) missense variant has been reported in 7 individuals with breast cancer, renal cancer (PMID: 25186627, 28580595, 30093976, 28825143, 32048105, 23977390), and in healthy controls and individuals undergoing hereditary cancer testing (PMID: 30287823, 30374176, 23977390). This variant is reported in 8 cases and 10 healthy controls, in a large dataset of 60,466 women with breast cancer and 53,461controls (PMID 33471991). This variant was observed in 15/18394 chromosomes in the East Asian population according to the Genome Aggregation Database (PMID: 32461654). This variant has been reported in ClinVar (Variation ID 132751). Experimental studies on patient derived lymphoblastoid cell lines suggest that variant has no impact on homologous recombination repair activity and localization of the protein (PMID 32048105). In silico predictions of the variant's effect on protein function are inconclusive. The overall evidence is insufficient to meet ACMG/AMP criteria for classifying it as benign or pathogenic. In summary, the clinical significance of this variant is currently uncertain.

Ambry Genetics
Classification: Likely benign for Hereditary cancer-predisposing syndrome. Last evaluated: 2021-05-13. Review status: criteria provided, single submitter. Criteria: Ambry Variant Classification Scheme 2023. Collection method: clinical testing. Allele origin: germline.

Color Diagnostics, LLC DBA Color Health
Classification: Likely benign for Hereditary cancer-predisposing syndrome. Last evaluated: 2015-10-01. Review status: criteria provided, single submitter. Criteria: ACMG Guidelines, 2015. Collection method: clinical testing. Allele origin: germline.

Leiden Open Variation Database
Classification: Uncertain significance. Last evaluated: 2019-05-13. Review status: no assertion criteria provided. Collection method: curation. Allele origin: germline. Affected: no. Not counted in ClinVar's aggregate classification.
Comment: Curators: Marc Tischkowitz, Arleen D. Auerbach. Submitters to LOVD: Marc Tischkowitz, Melissa DeRycke, Yukihide Momozawa.

Counsyl
Classification: Uncertain significance for Familial cancer of breast. Last evaluated: 2015-11-26. Review status: no assertion criteria provided. Collection method: clinical testing. Allele origin: unknown. Not counted in ClinVar's aggregate classification.

Department of Pathology and Laboratory Medicine, Sinai Health System
Classification: Uncertain significance for Pancreatic cancer, susceptibility to, 3. Review status: no assertion criteria provided. Collection method: clinical testing. Allele origin: unknown. Affected: yes. Study: The Canadian Open Genetics Repository (COGR). Not counted in ClinVar's aggregate classification.
Comment: The PALB2 p.Glu352Gln variant was identified in 2 of 7128 proband chromosomes (frequency: 0.0003) from individuals or families with breast cancer (Tung_2015, Phuah_2013). The variant was also identified in the following databases: dbSNP (ID: rs201035780) as â€šÃ„ÃºWith Uncertain significance alleleâ€šÃ„Ã¹, ClinVar (4x as uncertain significance by Invitae, Ambry Genetics, Counsyl, Quest Diagnostics), Clinvitae (3x as uncertain significance by ClinVar and Clinvitae) and LOVD 3.0 (3x with pathogenicity prediction of "probably does not affect function"). The variant was not identified in Cosmic, MutDB and Zhejiang Colon Cancer Databases. The variant was identified in control databases in 15 of 246148 chromosomes at a frequency of 0.00006 (Genome Aggregation Database Feb 27, 2017). It was observed in the following populations: African in 1 of 15300 chromosomes (freq: 0.000065), East Asian in 14 of 17248 chromosomes (freq: 0.0008), but not in the â€šÃ„ÃºOtherâ€šÃ„Ã¹, Latino, European Non-Finnish, Ashkenazi Jewish, European Finnish, and South Asian populations. The p.Glu352Gln residue is not conserved in mammals and four out of five computational analyses (PolyPhen-2, SIFT, AlignGVGD, BLOSUM, MutationTaster) do not suggest a high likelihood of impact to the protein; however, this information is not predictive enough to rule out pathogenicity. The variant occurs outside of the splicing consensus sequence and 1 of 5 in silico or computational prediction software programs (SpliceSiteFinder, MaxEntScan, NNSPLICE, GeneSplicer, HumanSpliceFinder) predict a greater than 10% difference in splicing; this is not very predictive of pathogenicity. In summary, based on the above information the clinical significance of this variant cannot be determined with certainty at this time. This variant is classified as a variant of uncertain significance.

Literature cited by the submitters: PubMed 33471991 (cited by 3 submitters); PubMed 33309985 (cited by Quest Diagnostics Nichols Institute San Juan Capistrano and Ambry Genetics); PubMed 36243179 (cited by Quest Diagnostics Nichols Institute San Juan Capistrano); PubMed 30287823 (cited by 4 submitters); PubMed 28825143 (cited by 3 submitters); PubMed 30093976 (cited by 3 submitters); PubMed 32048105 (cited by 3 submitters); PubMed 30374176 (cited by Quest Diagnostics Nichols Institute San Juan Capistrano and Sema4); PubMed 28580595 (cited by 3 submitters); PubMed 23977390 (cited by 5 submitters); PubMed 25186627 (cited by 5 submitters).